The following is an entry in ClinVar:

ClinVar aggregate classification (germline): Uncertain significance (1 of 4 stars; one submission).

Allele frequency attached by ClinVar (database versions not stated): TOPMed below 0.00001; gnomAD exomes below 0.00001.
gnomAD v4.1: 3 of 1,614,178 alleles (0.00019%); highest among the groups gnomAD compares: Non-Finnish European, 0.00025%; no homozygotes.

Submission:

Labcorp Genetics (formerly Invitae), Labcorp
Classification: Uncertain significance. Last evaluated: 2021-05-19. Review status: criteria provided, single submitter. Criteria: Invitae Variant Classification Sherloc (09022015). Collection method: clinical testing. Allele origin: germline.
Comment: This sequence change replaces arginine with isoleucine at codon 83 of the NEUROD1 protein (p.Arg83Ile). The arginine residue is highly conserved and there is a moderate physicochemical difference between arginine and isoleucine. This variant is not present in population databases (ExAC no frequency). This variant has not been reported in the literature in individuals with NEUROD1-related conditions. In summary, the available evidence is currently insufficient to determine the role of this variant in disease. Therefore, it has been classified as a Variant of Uncertain Significance. Algorithms developed to predict the effect of missense changes on protein structure and function (SIFT, PolyPhen-2, Align-GVGD) all suggest that this variant is likely to be disruptive, but these predictions have not been confirmed by published functional studies and their clinical significance is uncertain.

NM_002500.5(NEUROD1):c.248G>T (p.Arg83Ile)

Gene: NEUROD1 (neuronal differentiation 1; minus strand). Cytogenetic location: 2q31.3.
Variant type: single nucleotide variant.
Coding change: c.248G>T on transcript NM_002500.5 (MANE Select); coding-DNA position 248, G replaced by T.
Protein change: p.Arg83Ile; replaces arginine 83 with isoleucine.
Molecular consequence: missense variant.
Genome position (GRCh38, 1-based): chr2:181,678,613, C>A on the plus strand (G>T on the coding strand, the complement: NEUROD1 is on the minus strand). VCF-style: chr2-181678613-C-A. GRCh37 (hg19) VCF-style: chr2-182543340-C-A.
Other names: short protein forms R83I.
Identifiers: ClinVar variation 1348707 (VCV001348707.8), dbSNP rs1688636903, ClinGen allele CA349786636.
Genomic context (GRCh38, chr2:181,678,613, plus strand): 5'-CGTCTCAATTTAAAACGCTCCAGGCGAGCCTTAGTCATCTTCTTCTTTTTGGGGCCGCGT[C>A]TCTTGGGCTTTTGATCGTCATCCTCCTCTTCCTCTTCTTCCTCCTCTTCCAGGTCCTCAT-3'
Protein context (NP_002491.3, residues 73-93): EEEDDDQKPK[Arg83Ile]RGPKKKKMTK